The following is an entry in ClinVar:

ClinVar aggregate classification (germline): Likely benign. Review status: criteria provided, multiple submitters, no conflicts (2 of 4 stars). 4 submissions from 4 submitters: Likely benign (3). 1 of the submissions does not count toward it. Last evaluated 2025-11-17.

Conditions:
TRAK1-related disorder. Also called: TRAK1-related condition.

Allele frequency attached by ClinVar (database versions not stated): ExAC 0.00003; gnomAD exomes 0.00003 and 0.00004; gnomAD 0.00022; TOPMed 0.00023; ESP Exome Variant Server 0.00041; 1000 Genomes Project 0.00060; 1000 Genomes Project 30x 0.00062.
gnomAD v4.1: 64 of 1,614,224 alleles (0.004%); highest among the groups gnomAD compares: African/African-American, 0.035%; no homozygotes.

Submissions (4):

Labcorp Genetics (formerly Invitae), Labcorp
Classification: Likely benign. Last evaluated: 2025-11-17. Review status: criteria provided, single submitter. Criteria: Invitae Variant Classification Sherloc (09022015). Collection method: clinical testing. Allele origin: germline.

Blueprint Genetics
Classification: Likely benign. Last evaluated: 2024-09-25. Review status: criteria provided, single submitter. Criteria: ACMG Guidelines, 2015. Collection method: clinical testing. Allele origin: germline.

Breakthrough Genomics
Classification: Likely benign. Review status: criteria provided, single submitter. Criteria: ACMG Guidelines, 2015. Collection method: not provided. Allele origin: germline. Inheritance: Autosomal recessive inheritance. Affected: yes.

PreventionGenetics, part of Exact Sciences
Classification: Likely benign for TRAK1-related condition. Last evaluated: 2019-02-22. Review status: no assertion criteria provided. Collection method: clinical testing. Allele origin: germline. Not counted in ClinVar's aggregate classification.
Comment: This variant is classified as likely benign based on ACMG/AMP sequence variant interpretation guidelines (Richards et al. 2015 PMID: 25741868, with internal and published modifications).

NM_001042646.3(TRAK1):c.186C>T (p.Tyr62=)

Gene: TRAK1 (trafficking kinesin protein 1; plus strand). Cytogenetic location: 3p22.1.
Variant type: single nucleotide variant.
Coding change: c.186C>T on transcript NM_001042646.3 (MANE Select); coding-DNA position 186, C replaced by T.
Protein change: p.Tyr62=; no amino-acid change (tyrosine 62 retained).
Molecular consequence: synonymous variant. On other transcripts: 5 prime UTR variant (1), non-coding transcript variant (1).
Genome position (GRCh38, 1-based): chr3:42,125,514, C>T. VCF-style: chr3-42125514-C-T. GRCh37 (hg19) VCF-style: chr3-42167006-C-T.
Other names: c.186C>T, p.Tyr62= (NM_001265608.2, NM_001349246.2, NM_001349247.2); c.-127C>T (NM_001349245.1).
Identifiers: ClinVar variation 753302 (VCV000753302.10), dbSNP rs201869432, ClinGen allele CA2332940.